The following is an entry in ClinVar:

NM_030962.4(SBF2):c.3673T>A (p.Ser1225Thr)

Gene: SBF2 (SET binding factor 2; minus strand). Cytogenetic location: 11p15.4.
Variant type: single nucleotide variant.
Coding change: c.3673T>A on transcript NM_030962.4 (MANE Select); coding-DNA position 3673, T replaced by A.
Protein change: p.Ser1225Thr; replaces serine 1225 with threonine.
Molecular consequence: missense variant.
Genome position (GRCh38, 1-based): chr11:9,829,476, A>T on the plus strand (T>A on the coding strand, the complement: SBF2 is on the minus strand). VCF-style: chr11-9829476-A-T. GRCh37 (hg19) VCF-style: chr11-9851023-A-T.
Other names: c.3673T>A, p.Ser1225Thr (NM_001386339.1); c.3544T>A, p.Ser1182Thr (NM_001386342.1); short protein forms S1182T, S1225T.
Identifiers: ClinVar variation 1944803 (VCV001944803.6), dbSNP rs371544430, ClinGen allele CA5881192.

ClinVar aggregate classification (germline): Uncertain significance. Review status: criteria provided, multiple submitters, no conflicts (2 of 4 stars). 2 submissions from 2 submitters: Uncertain significance (2). Last evaluated 2025-03-20.

Conditions:
SBF2-related disorder. Also called: SBF2-related condition.
Charcot-Marie-Tooth disease type 4. Also called: Charcot-Marie-Tooth, Type 4; Charcot-Marie-Tooth disease, type IV. Identifiers: Orphanet 64749, MedGen C4082197, MONDO:0018995.

Allele frequency attached by ClinVar (database versions not stated): gnomAD exomes below 0.00001; ExAC 0.00002; gnomAD 0.00002; TOPMed 0.00004; ESP Exome Variant Server 0.00008.
gnomAD v4.1: 10 of 1,612,522 alleles (0.00062%); highest among the groups gnomAD compares: African/African-American, 0.011%; no homozygotes.

Submissions (2):

PreventionGenetics, part of Exact Sciences
Classification: Uncertain significance for SBF2-related condition. Last evaluated: 2025-03-20. Review status: criteria provided, single submitter. Criteria: ACMG Guidelines, 2015. Collection method: clinical testing. Allele origin: germline.
Comment: The SBF2 c.3673T>A variant is predicted to result in the amino acid substitution p.Ser1225Thr. To our knowledge, this variant has not been reported in the literature. This variant is reported in 0.012% of alleles in individuals of African descent in gnomAD. At this time, the clinical significance of this variant is uncertain due to the absence of conclusive functional and genetic evidence.

Labcorp Genetics (formerly Invitae), Labcorp
Classification: Uncertain significance for Charcot-Marie-Tooth disease type 4. Last evaluated: 2022-12-06. Review status: criteria provided, single submitter. Criteria: Invitae Variant Classification Sherloc (09022015). Collection method: clinical testing. Allele origin: germline.
Comment: In summary, the available evidence is currently insufficient to determine the role of this variant in disease. Therefore, it has been classified as a Variant of Uncertain Significance. Advanced modeling of protein sequence and biophysical properties (such as structural, functional, and spatial information, amino acid conservation, physicochemical variation, residue mobility, and thermodynamic stability) performed at Invitae indicates that this missense variant is not expected to disrupt SBF2 protein function. This variant has not been reported in the literature in individuals affected with SBF2-related conditions. This variant is present in population databases (rs371544430, gnomAD 0.01%). This sequence change replaces serine, which is neutral and polar, with threonine, which is neutral and polar, at codon 1225 of the SBF2 protein (p.Ser1225Thr).